The following is an entry in ClinVar:

ClinVar aggregate classification (germline): Uncertain significance (1 of 4 stars; one submission).

Allele frequency attached by ClinVar (database versions not stated): gnomAD 0.00001; gnomAD exomes 0.00002.
gnomAD v4.1: 13 of 1,614,054 alleles (0.00081%); highest among the groups gnomAD compares: Admixed American, 0.022%; no homozygotes.

Submission:

Labcorp Genetics (formerly Invitae), Labcorp
Classification: Uncertain significance. Last evaluated: 2023-05-04. Review status: criteria provided, single submitter. Criteria: Invitae Variant Classification Sherloc (09022015). Collection method: clinical testing. Allele origin: germline.
Comment: In summary, the available evidence is currently insufficient to determine the role of this variant in disease. Therefore, it has been classified as a Variant of Uncertain Significance. An algorithm developed to predict the effect of missense changes on protein structure and function (PolyPhen-2) suggests that this variant is likely to be tolerated. This variant has not been reported in the literature in individuals affected with TTBK2-related conditions. This variant is present in population databases (no rsID available, gnomAD 0.02%). This sequence change replaces serine, which is neutral and polar, with glycine, which is neutral and non-polar, at codon 1236 of the TTBK2 protein (p.Ser1236Gly).

NM_173500.4(TTBK2):c.3706A>G (p.Ser1236Gly)

Gene: TTBK2 (tau tubulin kinase 2; minus strand). Cytogenetic location: 15q15.2.
Variant type: single nucleotide variant.
Coding change: c.3706A>G on transcript NM_173500.4 (MANE Select); coding-DNA position 3706, A replaced by G.
Protein change: p.Ser1236Gly; replaces serine 1236 with glycine.
Molecular consequence: missense variant.
Genome position (GRCh38, 1-based): chr15:42,745,824, T>C on the plus strand (A>G on the coding strand, the complement: TTBK2 is on the minus strand). VCF-style: chr15-42745824-T-C. GRCh37 (hg19) VCF-style: chr15-43038022-T-C.
Other names: short protein forms S1236G.
Identifiers: ClinVar variation 2695315 (VCV002695315.3), dbSNP rs1228727100, ClinGen allele CA392064065.
Genomic context (GRCh38, chr15:42,745,824, plus strand): 5'-TCACACCTTTCAAAGAGATGCAGCCTGGCTCCTATCTGCTGAGTTTACTGGCTGGCTTAC[T>C]CTTCCCTTGGGGGGTTTTAGTGCTGGCTGAGTGGTGGTGGAGGCTGCCGGATCCTTTCAG-3'
Protein context (NP_775771.3, residues 1226-1244): SASTKTPQGK[Ser1236Gly]KPASKLSR